The following is an entry in ClinVar:

NM_005379.4(MYO1A):c.2021G>A (p.Gly674Asp)

Gene: MYO1A (myosin IA; minus strand). Cytogenetic location: 12q13.3.
Variant type: single nucleotide variant.
Coding change: c.2021G>A on transcript NM_005379.4 (MANE Select); coding-DNA position 2021, G replaced by A.
Protein change: p.Gly674Asp; replaces glycine 674 with aspartic acid.
Molecular consequence: missense variant.
Genome position (GRCh38, 1-based): chr12:57,037,582, C>T on the plus strand (G>A on the coding strand, the complement: MYO1A is on the minus strand). VCF-style: chr12-57037582-C-T. GRCh37 (hg19) VCF-style: chr12-57431366-C-T.
Other names: c.2021G>A, p.Gly674Asp (NM_001256041.2); short protein forms G674D.
Identifiers: ClinVar variation 226411 (VCV000226411.26), dbSNP rs148808080, ClinGen allele CA6639902.
Genomic context (GRCh38, chr12:57,037,582, plus strand): 5'-AAATGCTAATGCACTCTCTAACTCACAGTCTTGGGGCTTCTAATGAAGATCTTTGTCTTG[C>T]CAAAGGCCAGCTCCCCCGAGGACATGCTCAGCTCCCCCAGGACCTTCTCAACACCTTCCC-3'
Protein context (NP_005370.1, residues 664-684): LSMSSGELAF[Gly674Asp]KTKIFIRSPK

ClinVar aggregate classification (germline): Likely benign. Review status: criteria provided, single submitter (1 of 4 stars). 3 submissions from 3 submitters: Likely benign (1). 2 of the submissions do not count toward it. Last evaluated 2024-01-01.

Conditions:
MYO1A-related disorder. Also called: MYO1A-related condition.
Autosomal dominant nonsyndromic hearing loss 48. Also called: DEAFNESS, AUTOSOMAL DOMINANT 48. Identifiers: Orphanet 90635, MedGen C1842939, MONDO:0011920, OMIM 607841.

Allele frequency attached by ClinVar (database versions not stated): ESP Exome Variant Server 0.00023; gnomAD exomes 0.00033 and 0.00060; gnomAD 0.00049 and 0.00050; ExAC 0.00054; TOPMed 0.00072.
gnomAD v4.1: 601 of 1,614,134 alleles (0.037%); highest among the groups gnomAD compares: Middle Eastern, 0.3%; 1 homozygote.

Submissions (3):

CeGaT Center for Human Genetics Tuebingen
Classification: Likely benign. Last evaluated: 2024-01-01. Review status: criteria provided, single submitter. Criteria: CeGaT Center For Human Genetics Tuebingen Variant Classification Criteria Version 2. Collection method: clinical testing. Allele origin: germline. Affected: yes. Observed: 2 variant alleles.
Comment: MYO1A: BS2

PreventionGenetics, part of Exact Sciences
Classification: Likely benign for MYO1A-related condition. Last evaluated: 2023-04-19. Review status: no assertion criteria provided. Collection method: clinical testing. Allele origin: germline. Not counted in ClinVar's aggregate classification.
Comment: This variant is classified as likely benign based on ACMG/AMP sequence variant interpretation guidelines (Richards et al. 2015 PMID: 25741868, with internal and published modifications).

Biesecker Lab/Clinical Genomics Section, National Institutes of Health
Classification: Likely benign for Autosomal dominant nonsyndromic hearing loss 48. Last evaluated: 2016-05-10. Review status: no assertion criteria provided. Collection method: research. Allele origin: germline. Affected: no. Observed: 1 heterozygote. Study: ClinSeq. Not counted in ClinVar's aggregate classification.